The following is an entry in ClinVar:

NM_206933.4(USH2A):c.1608C>T (p.Cys536=)

Gene: USH2A (usherin; minus strand). Cytogenetic location: 1q41.
Variant type: single nucleotide variant.
Coding change: c.1608C>T on transcript NM_206933.4 (MANE Select); coding-DNA position 1608, C replaced by T.
Protein change: p.Cys536=; no amino-acid change (cysteine 536 retained).
Molecular consequence: synonymous variant.
Genome position (GRCh38, 1-based): chr1:216,321,919, G>A on the plus strand (C>T on the coding strand, the complement: USH2A is on the minus strand). VCF-style: chr1-216321919-G-A. GRCh37 (hg19) VCF-style: chr1-216495261-G-A.
Other names: c.1608C>T, p.Cys536= (NM_007123.6).
Identifiers: ClinVar variation 166524 (VCV000166524.36), dbSNP rs187380128, ClinGen allele CA179586.

ClinVar aggregate classification (germline): Conflicting classifications of pathogenicity. Review status: criteria provided, conflicting classifications (1 of 4 stars). 8 submissions from 7 submitters: Uncertain significance (1); Benign (2); Likely benign (5). Last evaluated 2026-01-22.

Conditions:
Retinal dystrophy. Also called: Inherited retinal dystrophy. Identifiers: Orphanet 71862, MedGen C0854723, MeSH D058499, MONDO:0019118, HP:0000556.
Retinitis pigmentosa (RP). Identifiers: Orphanet 791, MedGen C0035334, MeSH D012174, MONDO:0019200, OMIM 268000. Inheritance: Autosomal dominant, autosomal recessive and X linked inheritance.
Usher syndrome type 2A. Also called: USHER SYNDROME, TYPE IIA; RETINAL DISEASE IN USHER SYNDROME TYPE IIA, MODIFIER OF. Identifiers: Orphanet 231178, Orphanet 886, MedGen C1848634, MONDO:0010169, OMIM 276901.

Allele frequency attached by ClinVar (database versions not stated): gnomAD exomes 0.00012 and 0.00051; gnomAD 0.00014 and 0.00020; TOPMed 0.00032; ExAC 0.00046; 1000 Genomes Project 30x 0.00125; 1000 Genomes Project 0.00160.
gnomAD v4.1: 211 of 1,613,812 alleles (0.013%); highest among the groups gnomAD compares: East Asian, 0.43%; no homozygotes.

Submissions (8):

Labcorp Genetics (formerly Invitae), Labcorp
Classification: Benign. Last evaluated: 2026-01-22. Review status: criteria provided, single submitter. Criteria: Invitae Variant Classification Sherloc (09022015). Collection method: clinical testing. Allele origin: germline.

CeGaT Center for Human Genetics Tuebingen
Classification: Likely benign. Last evaluated: 2025-10-01. Review status: criteria provided, single submitter. Criteria: CeGaT Center For Human Genetics Tuebingen Variant Classification Criteria Version 2. Collection method: clinical testing. Allele origin: germline. Affected: yes. Observed: 2 variant alleles.
Comment: USH2A: BP4, BP7

Blueprint Genetics
Classification: Likely benign. Last evaluated: 2024-10-07. Review status: criteria provided, single submitter. Criteria: ACMG Guidelines, 2015. Collection method: clinical testing. Allele origin: germline.

Dept Of Ophthalmology, Nagoya University
Classification: Likely benign for Retinal dystrophy. Last evaluated: 2023-10-01. Review status: criteria provided, single submitter. Criteria: Submitter's publication. Collection method: research. Allele origin: germline. Affected: yes.

GeneDx
Classification: Likely benign. Last evaluated: 2020-11-30. Review status: criteria provided, single submitter. Criteria: GeneDx Variant Classification Process June 2021. Collection method: clinical testing. Allele origin: germline. Affected: yes.

Illumina Laboratory Services, Illumina
Classification: Uncertain significance for Retinitis pigmentosa. Last evaluated: 2017-04-27. Review status: criteria provided, single submitter. Criteria: ICSL Variant Classification Criteria 13 December 2019. Collection method: clinical testing. Allele origin: germline.

Illumina Laboratory Services, Illumina
Classification: Likely benign for Usher syndrome type 2A. Last evaluated: 2017-04-27. Review status: criteria provided, single submitter. Criteria: ICSL Variant Classification Criteria 13 December 2019. Collection method: clinical testing. Allele origin: germline.
Comment: This variant was observed as part of a predisposition screen in an ostensibly healthy population. A literature search was performed for the gene, cDNA change, and amino acid change (where applicable). No publications were found based on this search. Allele frequency data from public databases allowed determination this variant is unlikely to cause disease. Therefore, this variant is classified as likely benign.

Laboratory for Molecular Medicine, Mass General Brigham Personalized Medicine
Classification: Benign. Last evaluated: 2013-11-19. Review status: criteria provided, single submitter. Criteria: LMM Criteria. Collection method: clinical testing. Allele origin: germline. Observed: 1 variant allele.
Comment: Cys536Cys in Exon 9 of USH2A: This variant is not expected to have clinical sign ificance because it does not alter an amino acid residue, it is not located with in the splice consensus sequence, and has been identified in 1.3% (5/394) of Han Chinese chromosomes by the 1000 Genomes Project (dbSNP rs187380128).